The following is an entry in ClinVar:

ClinVar aggregate classification (germline): Likely pathogenic (1 of 4 stars; one submission).

Submission:

Labcorp Genetics (formerly Invitae), Labcorp
Classification: Likely pathogenic. Last evaluated: 2023-08-29. Review status: criteria provided, single submitter. Criteria: Invitae Variant Classification Sherloc (09022015). Collection method: clinical testing. Allele origin: germline.
Comment: In summary, the currently available evidence indicates that the variant is pathogenic, but additional data are needed to prove that conclusively. Therefore, this variant has been classified as Likely Pathogenic. This variant disrupts a region of the LHX3 protein in which other variant(s) (p.Cys74Arg) have been observed in individuals with LHX3-related conditions (PMID: 36387827). This suggests that this is a clinically significant region of the protein, and that variants that disrupt it are likely to be disease-causing. This variant has not been reported in the literature in individuals affected with LHX3-related conditions. This variant is not present in population databases (gnomAD no frequency). This variant results in the deletion of part of exon 2 (c.196_266+295delinsAC) of the LHX3 gene. It is expected to disrupt RNA splicing. Variants that disrupt the donor or acceptor splice site typically lead to a loss of protein function (PMID: 16199547), and loss-of-function variants in LHX3 are known to be pathogenic (PMID: 16394081, 18407919).

Literature cited by the submitters: PubMed 36387827; PubMed 16199547; PubMed 16394081; PubMed 18407919.

NM_178138.6(LHX3):c.181_251+295delinsAC

Gene: LHX3 (LIM homeobox 3; minus strand). Cytogenetic location: 9q34.3.
Variant type: Indel.
Coding change: c.181_251+295delinsAC on transcript NM_178138.6 (MANE Select); coding-DNA position 181 through 295 bases into the intron after coding-DNA position 251, the reference bases replaced by AC.
Molecular consequence: splice donor variant.
Genome position (GRCh38, 1-based): chr9:136,200,287-136,200,652, 366 bases replaced. GRCh37 (hg19): chr9:139,092,133-139,092,498.
Other names: c.196_266+295delinsAC (NM_014564.5); c.148_218+295delinsAC (NM_001363746.1).
Identifiers: ClinVar variation 2738108 (VCV002738108.3), dbSNP rs2490917462, ClinGen allele CA2697558203.